The following is an entry in ClinVar:

ClinVar aggregate classification (germline): Uncertain significance. Review status: criteria provided, multiple submitters, no conflicts (2 of 4 stars). 2 submissions from 2 submitters: Uncertain significance (2). Last evaluated 2025-05-13.

gnomAD v4.1: 5 of 1,614,136 alleles (0.00031%); highest among the groups gnomAD compares: Admixed American, 0.0067%; no homozygotes.

Submissions (2):

Labcorp Genetics (formerly Invitae), Labcorp
Classification: Uncertain significance. Last evaluated: 2025-05-13. Review status: criteria provided, single submitter. Criteria: Invitae Variant Classification Sherloc (09022015). Collection method: clinical testing. Allele origin: germline.
Comment: This sequence change replaces phenylalanine, which is neutral and non-polar, with cysteine, which is neutral and slightly polar, at codon 386 of the CLIC5 protein (p.Phe386Cys). This variant is present in population databases (no rsID available, gnomAD 0.01%). This variant has not been reported in the literature in individuals affected with CLIC5-related conditions. An algorithm developed to predict the effect of missense changes on protein structure and function (PolyPhen-2) suggests that this variant is likely to be disruptive. In summary, the available evidence is currently insufficient to determine the role of this variant in disease. Therefore, it has been classified as a Variant of Uncertain Significance.

Blueprint Genetics
Classification: Uncertain significance. Last evaluated: 2019-03-20. Review status: criteria provided, single submitter. Criteria: ACMG Guidelines, 2015. Collection method: clinical testing. Allele origin: germline.

NM_016929.5(CLIC5):c.680T>G (p.Phe227Cys)

Gene: CLIC5 (CLIC family member 5; minus strand). Cytogenetic location: 6p21.1.
Variant type: single nucleotide variant.
Coding change: c.680T>G on transcript NM_016929.5 (MANE Select); coding-DNA position 680, T replaced by G.
Protein change: p.Phe227Cys; replaces phenylalanine 227 with cysteine.
Molecular consequence: missense variant. On other transcripts: non-coding transcript variant (2).
Genome position (GRCh38, 1-based): chr6:45,903,164, A>C on the plus strand (T>G on the coding strand, the complement: CLIC5 is on the minus strand). VCF-style: chr6-45903164-A-C. GRCh37 (hg19) VCF-style: chr6-45870901-A-C.
Other names: c.1157T>G, p.Phe386Cys (NM_001114086.2, NM_001370650.1); c.563T>G, p.Phe188Cys (NM_001370649.1); short protein forms F386C, F227C, F188C.
Identifiers: ClinVar variation 4755160 (VCV004755160.2).